The following is an entry in ClinVar:

ClinVar aggregate classification (germline): Uncertain significance (1 of 4 stars; one submission).

Conditions:
Encephalopathy, acute, infection-induced (herpes-specific), susceptibility to, 1. Also called: Herpes simplex encephalitis, susceptibility to, 1. Identifiers: Orphanet 1930, MedGen C2750180, MONDO:0024563, OMIM 610551.

Allele frequency attached by ClinVar (database versions not stated): gnomAD 0.00003; gnomAD exomes 0.00006 and 0.00003; ExAC 0.00013.
gnomAD v4.1: 47 of 1,548,228 alleles (0.003%); highest among the groups gnomAD compares: South Asian, 0.056%; 1 homozygote.

Submission:

Labcorp Genetics (formerly Invitae), Labcorp
Classification: Uncertain significance for Encephalopathy, acute, infection-induced (herpes-specific), susceptibility to, 1. Last evaluated: 2021-01-03. Review status: criteria provided, single submitter. Criteria: Invitae Variant Classification Sherloc (09022015). Collection method: clinical testing. Allele origin: germline.
Comment: This sequence change replaces valine with alanine at codon 403 of the UNC93B1 protein (p.Val403Ala). There is a small physicochemical difference between valine and alanine. This variant is present in population databases (rs779514796, ExAC 0.03%). This variant has not been reported in the literature in individuals with UNC93B1-related conditions. Experimental studies and prediction algorithms are not available or were not evaluated, and the functional significance of this variant is currently unknown. In summary, the available evidence is currently insufficient to determine the role of this variant in disease. Therefore, it has been classified as a Variant of Uncertain Significance.

NM_030930.4(UNC93B1):c.1208T>C (p.Val403Ala)

Gene: UNC93B1 (unc-93B1 regulator of TLR signaling; minus strand). Cytogenetic location: 11q13.2.
Variant type: single nucleotide variant.
Coding change: c.1208T>C on transcript NM_030930.4 (MANE Select); coding-DNA position 1208, T replaced by C.
Protein change: p.Val403Ala; replaces valine 403 with alanine.
Molecular consequence: missense variant.
Genome position (GRCh38, 1-based): chr11:67,995,766, A>G on the plus strand (T>C on the coding strand, the complement: UNC93B1 is on the minus strand). VCF-style: chr11-67995766-A-G. GRCh37 (hg19) VCF-style: chr11-67763237-A-G.
Other names: short protein forms V403A.
Identifiers: ClinVar variation 1401823 (VCV001401823.3), dbSNP rs779514796, ClinGen allele CA6145429.